The following is an entry in ClinVar:

NM_016222.4(DDX41):c.761A>G (p.Lys254Arg)

Gene: DDX41 (DEAD-box helicase 41; minus strand). Cytogenetic location: 5q35.3.
Variant type: single nucleotide variant.
Coding change: c.761A>G on transcript NM_016222.4 (MANE Select); coding-DNA position 761, A replaced by G.
Protein change: p.Lys254Arg; replaces lysine 254 with arginine.
Molecular consequence: missense variant.
Genome position (GRCh38, 1-based): chr5:177,514,953, T>C on the plus strand (A>G on the coding strand, the complement: DDX41 is on the minus strand). VCF-style: chr5-177514953-T-C. GRCh37 (hg19) VCF-style: chr5-176941954-T-C.
Other names: c.383A>G, p.Lys128Arg (NM_001321732.2, NM_001321830.2); short protein forms K128R, K254R.
Identifiers: ClinVar variation 3728331 (VCV003728331.2).

ClinVar aggregate classification (germline): Uncertain significance (1 of 4 stars; one submission).

gnomAD v4.1: 7 of 1,612,532 alleles (0.00043%); highest among the groups gnomAD compares: South Asian, 0.0077%; no homozygotes.

Submission:

Labcorp Genetics (formerly Invitae), Labcorp
Classification: Uncertain significance. Last evaluated: 2025-01-22. Review status: criteria provided, single submitter. Criteria: Invitae Variant Classification Sherloc (09022015). Collection method: clinical testing. Allele origin: germline.
Comment: This sequence change replaces lysine, which is basic and polar, with arginine, which is basic and polar, at codon 254 of the DDX41 protein (p.Lys254Arg). This variant is present in population databases (rs768526031, gnomAD 0.01%). This variant has not been reported in the literature in individuals affected with DDX41-related conditions. An algorithm developed to predict the effect of missense changes on protein structure and function (PolyPhen-2) suggests that this variant is likely to be tolerated. In summary, the available evidence is currently insufficient to determine the role of this variant in disease. Therefore, it has been classified as a Variant of Uncertain Significance.